The following is an entry in ClinVar:

ClinVar aggregate classification (germline): Uncertain significance (1 of 4 stars; one submission).

Allele frequency attached by ClinVar (database versions not stated): TOPMed 0.00002; ExAC 0.00003; gnomAD exomes 0.00004.
gnomAD v4.1: 9 of 1,612,526 alleles (0.00056%); highest among the groups gnomAD compares: Admixed American, 0.015%; no homozygotes.

Submission:

Labcorp Genetics (formerly Invitae), Labcorp
Classification: Uncertain significance. Last evaluated: 2022-07-01. Review status: criteria provided, single submitter. Criteria: Invitae Variant Classification Sherloc (09022015). Collection method: clinical testing. Allele origin: germline.
Comment: This sequence change replaces threonine, which is neutral and polar, with proline, which is neutral and non-polar, at codon 22 of the EXOSC2 protein (p.Thr22Pro). This variant is present in population databases (rs772506400, gnomAD 0.02%). This variant has not been reported in the literature in individuals affected with EXOSC2-related conditions. ClinVar contains an entry for this variant (Variation ID: 1519614). Algorithms developed to predict the effect of missense changes on protein structure and function output the following: SIFT: "Tolerated"; PolyPhen-2: "Benign"; Align-GVGD: "Class C0". The proline amino acid residue is found in multiple mammalian species, which suggests that this missense change does not adversely affect protein function. In summary, the available evidence is currently insufficient to determine the role of this variant in disease. Therefore, it has been classified as a Variant of Uncertain Significance.

NM_014285.7(EXOSC2):c.64A>C (p.Thr22Pro)

Genes: EXOSC2 (exosome component 2; plus strand), LOC130002815 (ATAC-STARR-seq lymphoblastoid active region 29156; plus strand). Cytogenetic location: 9q34.12.
Variant type: single nucleotide variant.
Coding change: c.64A>C on transcript NM_014285.7 (MANE Select); coding-DNA position 64, A replaced by C.
Protein change: p.Thr22Pro; replaces threonine 22 with proline.
Molecular consequence: missense variant. On other transcripts: non-coding transcript variant (1).
Genome position (GRCh38, 1-based): chr9:130,693,855, A>C. VCF-style: chr9-130693855-A-C. GRCh37 (hg19) VCF-style: chr9-133569242-A-C.
Other names: c.64A>C, p.Thr22Pro (NM_001282708.1, NM_001282709.1); short protein forms T22P.
Identifiers: ClinVar variation 1519614 (VCV001519614.5), dbSNP rs772506400, ClinGen allele CA5284727.
Genomic context (GRCh38, chr9:130,693,855, plus strand): 5'-GCGATGGAGATGAGGCTTCCAGTGGCTCGCAAGCCTCTTAGCGAGAGACTGGGCCGCGAC[A>C]CTAAGAAACATCTAGTGGTGCCGGGGGATACAATCACTACGGACACAGGATTCATGCGGT-3'
Protein context (NP_055100.2, residues 12-32): KPLSERLGRD[Thr22Pro]KKHLVVPGDT